The following is an entry in ClinVar:

ClinVar aggregate classification (germline): Pathogenic. Review status: criteria provided, multiple submitters, no conflicts (2 of 4 stars). 4 submissions from 4 submitters: Pathogenic (4). Last evaluated 2025-07-29.

Conditions:
CNNM4-related disorder. Also called: CNNM4-related condition.
Retinal dystrophy. Also called: Inherited retinal dystrophy. Identifiers: Orphanet 71862, MedGen C0854723, MeSH D058499, MONDO:0019118, HP:0000556.
Jalili syndrome. Also called: CONE-ROD DYSTROPHY AND AMELOGENESIS IMPERFECTA. Identifiers: Orphanet 1873, MedGen C3495589, MONDO:0009007, OMIM 217080.

Allele frequency attached by ClinVar (database versions not stated): gnomAD exomes 0.00001.
gnomAD v4.1: 7 of 1,614,120 alleles (0.00043%); highest among the groups gnomAD compares: Non-Finnish European, 0.00059%; no homozygotes.

Submissions (4):

Labcorp Genetics (formerly Invitae), Labcorp
Classification: Pathogenic. Last evaluated: 2025-07-29. Review status: criteria provided, single submitter. Criteria: Invitae Variant Classification Sherloc (09022015). Collection method: clinical testing. Allele origin: germline.
Comment: This sequence change creates a premature translational stop signal (p.Arg519*) in the CNNM4 gene. It is expected to result in an absent or disrupted protein product. Loss-of-function variants in CNNM4 are known to be pathogenic (PMID: 19200525). This variant is not present in population databases (gnomAD no frequency). This premature translational stop signal has been observed in individual(s) with Jalili syndrome (PMID: 23362848). ClinVar contains an entry for this variant (Variation ID: 434794). For these reasons, this variant has been classified as Pathogenic.

Blueprint Genetics
Classification: Pathogenic for CNNM4-related disorders. Last evaluated: 2024-08-26. Review status: criteria provided, single submitter. Criteria: ACMG Guidelines, 2015. Collection method: clinical testing. Allele origin: germline. Affected: yes. Observed: 3 variant alleles.

Genetic Services Laboratory, University of Chicago
Classification: Pathogenic for Jalili syndrome. Last evaluated: 2016-03-02. Review status: criteria provided, single submitter. Criteria: ACMG Guidelines, 2015. Collection method: clinical testing. Allele origin: germline. Affected: yes.

Institute of Human Genetics, Univ. Regensburg, Univ. Regensburg
Classification: Pathogenic for Retinal dystrophy. Last evaluated: 2016-01-01. Review status: criteria provided, single submitter. Criteria: ACMG Guidelines, 2015. Collection method: clinical testing. Allele origin: germline. Affected: yes.

Literature cited by the submitters: PubMed 19200525 (cited by Labcorp Genetics (formerly Invitae), Labcorp); PubMed 23362848 (cited by Labcorp Genetics (formerly Invitae), Labcorp and Institute of Human Genetics, Univ. Regensburg, Univ. Regensburg).

NM_020184.4(CNNM4):c.1555C>T (p.Arg519Ter)

Gene: CNNM4 (cyclin and CBS domain divalent metal cation transport mediator 4; plus strand). Cytogenetic location: 2q11.2.
Variant type: single nucleotide variant.
Coding change: c.1555C>T on transcript NM_020184.4 (MANE Select); coding-DNA position 1555, C replaced by T.
Protein change: p.Arg519Ter; replaces arginine 519 with a stop codon.
Molecular consequence: nonsense.
Genome position (GRCh38, 1-based): chr2:96,797,521, C>T. VCF-style: chr2-96797521-C-T. GRCh37 (hg19) VCF-style: chr2-97463258-C-T.
Other names: short protein forms R519*.
Identifiers: ClinVar variation 434794 (VCV000434794.10), dbSNP rs1455470131, ClinGen allele CA347702860.